The following is an entry in ClinVar:

NM_145239.3(PRRT2):c.733_744del (p.Arg245_Ser248del)

Genes: MVP-DT (MVP divergent transcript; minus strand), PRRT2 (proline rich transmembrane protein 2; plus strand). Cytogenetic location: 16p11.2.
Variant type: Deletion.
Coding change: c.733_744del on transcript NM_145239.3 (MANE Select); coding-DNA positions 733 to 744, 12 bases deleted (CGCCACCCCAGC).
Protein change: p.Arg245_Ser248del.
Molecular consequence: inframe deletion.
Genome position (GRCh38, 1-based): chr16:29,813,787-29,813,798, CGCCACCCCAGC deleted; deleting any 12 consecutive bases within chr16:29,813,784-29,813,798 gives the same sequence; the c. name uses the placement nearest the transcript's 3' end. VCF-style (leftmost placement, unchanged base first): chr16-29813783-GAGCCGCCACCCC-G. GRCh37 (hg19) VCF-style: chr16-29825104-GAGCCGCCACCCC-G.
Other names: c.733_744del, p.Arg245_Ser248del (NM_001256442.2, NM_001256443.2).
Identifiers: ClinVar variation 951815 (VCV000951815.10), dbSNP rs1900106653, ClinGen allele CA1139664645.
Genomic context (GRCh38, chr16:29,813,783, plus strand): 5'-TGAGGAGGATCGAATGAGAAGGGCACACAGTGGGCATCCAGGATCTCCCCGAGGTAGCCT[GAGCCGCCACCCC>G]AGCTCCCAGTTGGCAGGTCCTGGGGTGGAGGGGGGTGAAGGCACCCAGAAACCTCGGGAC-3'

ClinVar aggregate classification (germline): Uncertain significance (1 of 4 stars; one submission).

Conditions:
Episodic kinesigenic dyskinesia (EKD). Also called: Paroxysmal kinesigenic dyskinesia. Identifiers: Orphanet 98809, MedGen C1868682, MONDO:0044202.

Submission:

Labcorp Genetics (formerly Invitae), Labcorp
Classification: Uncertain significance for Episodic kinesigenic dyskinesia. Last evaluated: 2019-05-12. Review status: criteria provided, single submitter. Criteria: Invitae Variant Classification Sherloc (09022015). Collection method: clinical testing. Allele origin: germline.
Comment: This variant, c.733_744del, results in the deletion of 4 amino acid(s) of the PRRT2 protein (p.Arg245_Ser248del), but otherwise preserves the integrity of the reading frame. This variant is not present in population databases (ExAC no frequency). This variant has not been reported in the literature in individuals with PRRT2-related conditions. In summary, the available evidence is currently insufficient to determine the role of this variant in disease. Therefore, it has been classified as a Variant of Uncertain Significance.